The following is an entry in ClinVar:

ClinVar aggregate classification (germline): Uncertain significance. Review status: criteria provided, multiple submitters, no conflicts (2 of 4 stars). 2 submissions from 2 submitters: Uncertain significance (2). Last evaluated 2021-03-21.

Conditions:
Cystinuria (CSNU). Also called: Cystinuria, non-type I; CYSTINURIA, TYPE I; CYSTINURIA, TYPE II; CYSTINURIA, TYPE III. Identifiers: Orphanet 214, MedGen C0010691, MONDO:0009067, OMIM 220100, HP:0003131.

Submissions (2):

Labcorp Genetics (formerly Invitae), Labcorp
Classification: Uncertain significance for Cystinuria. Last evaluated: 2021-03-21. Review status: criteria provided, single submitter. Criteria: Invitae Variant Classification Sherloc (09022015). Collection method: clinical testing. Allele origin: germline.
Comment: This sequence change replaces leucine with arginine at codon 468 of the SLC3A1 protein (p.Leu468Arg). The leucine residue is highly conserved and there is a moderate physicochemical difference between leucine and arginine. In summary, the available evidence is currently insufficient to determine the role of this variant in disease. Therefore, it has been classified as a Variant of Uncertain Significance. Algorithms developed to predict the effect of missense changes on protein structure and function are either unavailable or do not agree on the potential impact of this missense change (SIFT: "Deleterious"; PolyPhen-2: "Probably Damaging"; Align-GVGD: "Class C0"). This variant has been observed in individual(s) with cystinuria (Invitae). This variant is not present in population databases (ExAC no frequency).

Revvity Omics, Revvity
Classification: Uncertain significance for Cystinuria. Last evaluated: 2019-04-12. Review status: criteria provided, single submitter. Criteria: ACMG Guidelines, 2015. Collection method: clinical testing. Allele origin: germline.

NM_000341.4(SLC3A1):c.1403T>G (p.Leu468Arg)

Gene: SLC3A1 (solute carrier family 3 member 1; plus strand). Cytogenetic location: 2p21.
Variant type: single nucleotide variant.
Coding change: c.1403T>G on transcript NM_000341.4 (MANE Select); coding-DNA position 1403, T replaced by G.
Protein change: p.Leu468Arg; replaces leucine 468 with arginine.
Molecular consequence: missense variant.
Genome position (GRCh38, 1-based): chr2:44,312,656, T>G. VCF-style: chr2-44312656-T-G. GRCh37 (hg19) VCF-style: chr2-44539795-T-G.
Other names: c.1403T>G (NM_000341.3); short protein forms L468R.
Identifiers: ClinVar variation 1500255 (VCV001500255.10), dbSNP rs2104383996, ClinGen allele CA346684520.